The following is an entry in ClinVar:

ClinVar aggregate classification (germline): Uncertain significance (1 of 4 stars; one submission).

Conditions:
Pseudo von Willebrand disease (VWDP). Also called: BLEEDING DISORDER, PLATELET-TYPE, 3; Platelet-type von Willebrand disease. Identifiers: Orphanet 52530, MedGen C1280798, MONDO:0008332, OMIM 177820.

Allele frequency attached by ClinVar (database versions not stated): gnomAD exomes below 0.00001; ExAC 0.00001; gnomAD 0.00002 and 0.00003; ESP Exome Variant Server 0.00008.

Submission:

Johns Hopkins Genomics, Johns Hopkins University
Classification: Uncertain significance for Pseudo von Willebrand disease. Last evaluated: 2021-08-16. Review status: criteria provided, single submitter. Criteria: ACMG Guidelines, 2015. Collection method: clinical testing. Allele origin: germline.
Comment: This GP1BA variant (rs376266502) is rare (<0.1%) in a large population dataset (gnomAD: 3/280256 total alleles; 0.001%; no homozygotes) and has not been reported in ClinVar nor the literature, to our knowledge. Three bioinformatic tools queried predict that this substitution would be tolerated and the proline residue at this position is evolutionarily conserved across many of the mammalian species assessed. We consider the clinical significance of GP1BA c.1183C>T to be uncertain at this time.

NM_000173.7(GP1BA):c.1183C>T (p.Pro395Ser)

Gene: GP1BA (glycoprotein Ib platelet subunit alpha; plus strand). Cytogenetic location: 17p13.2.
Variant type: single nucleotide variant.
Coding change: c.1183C>T on transcript NM_000173.7 (MANE Select); coding-DNA position 1183, C replaced by T.
Protein change: p.Pro395Ser; replaces proline 395 with serine.
Molecular consequence: missense variant.
Genome position (GRCh38, 1-based): chr17:4,933,787, C>T. VCF-style: chr17-4933787-C-T. GRCh37 (hg19) VCF-style: chr17-4837082-C-T.
Other names: short protein forms P395S.
Identifiers: ClinVar variation 1275749 (VCV001275749.1), dbSNP rs376266502, ClinGen allele CA8314919.